The following is an entry in ClinVar:

NM_001267550.2(TTN):c.80915del (p.Lys26972fs)

Genes: TTN-AS1 (TTN antisense RNA 1; plus strand), TTN (titin; minus strand). Cytogenetic location: 2q31.2.
Variant type: Deletion.
Coding change: c.80915del on transcript NM_001267550.2 (MANE Select); coding-DNA position 80915, one base deleted (A; older notation c.80915delA).
Protein change: p.Lys26972fs; shifts the reading frame from lysine 26972.
Molecular consequence: frameshift variant.
Genome position (GRCh38, 1-based): chr2:178,565,217, T deleted on the plus strand (A on the coding strand, the reverse complement: TTN is on the minus strand); the first of 4 consecutive T bases (chr2:178,565,217-178,565,220); deleting any one gives the same sequence. VCF-style (leftmost placement, unchanged base first): chr2-178565216-CT-C. GRCh37 (hg19) VCF-style: chr2-179429943-CT-C.
Other names: c.53720del, p.Lys17907fs (NM_003319.4); c.73211del, p.Lys24404fs (NM_133378.4); c.54095del, p.Lys18032fs (NM_133432.3); c.54296del, p.Lys18099fs (NM_133437.4); c.75992del, p.Lys25331fs (NM_001256850.1); short protein forms K17907fs, K18032fs, K18099fs, K24404fs, K25331fs, K26972fs.
Identifiers: ClinVar variation 3755482 (VCV003755482.2).
Genomic context (GRCh38, chr2:178,565,216, plus strand): 5'-TATGACTACAAAGTCTGCACTAACTTCATCAAACCGAACTGGGCCAACTGGAGGTCCAGG[CT>C]TTTCTAAAACGATAACACTGAGATTTTCTGTTGCTGTGCCTGCACTATTTGTTGCCGTTA-3'

ClinVar aggregate classification (germline): Likely pathogenic (1 of 4 stars; one submission).

Conditions:
Dilated cardiomyopathy 1G (CMD1G). Identifiers: Orphanet 154, MedGen C1858763, MONDO:0011400, OMIM 604145.
Autosomal recessive limb-girdle muscular dystrophy type 2J (LGMDR10). Also called: Limb-girdle muscular dystrophy, type 2J; MUSCULAR DYSTROPHY, LIMB-GIRDLE, AUTOSOMAL RECESSIVE 10. Identifiers: Orphanet 140922, MedGen C1837342, MONDO:0012127, OMIM 608807.

Submission:

Labcorp Genetics (formerly Invitae), Labcorp
Classification: Likely pathogenic for Dilated cardiomyopathy 1G; Autosomal recessive limb-girdle muscular dystrophy type 2J. Last evaluated: 2024-11-26. Review status: criteria provided, single submitter. Criteria: Invitae Variant Classification Sherloc (09022015). Collection method: clinical testing. Allele origin: germline.
Comment: This sequence change creates a premature translational stop signal (p.Lys26972Serfs*19) in the TTN gene. While this is not anticipated to result in nonsense mediated decay, it is expected to create a truncated TTN protein. This variant is not present in population databases (gnomAD no frequency). This variant has not been reported in the literature in individuals affected with TTN-related conditions. This variant is located in the A band of TTN (PMID: 25589632). Truncating variants in this region are significantly overrepresented in patients affected with dilated cardiomyopathy (PMID: 25589632). Truncating variants in this region have also been reported in individuals affected with autosomal recessive centronuclear myopathy (PMID: 23975875). In summary, the currently available evidence indicates that the variant is pathogenic, but additional data are needed to prove that conclusively. Therefore, this variant has been classified as Likely Pathogenic.

Literature cited by the submitters: PubMed 25589632; PubMed 23975875.